The following is an entry in ClinVar:

NM_001243133.2(NLRP3):c.1322A>G (p.Tyr441Cys)

Gene: NLRP3 (NLR family pyrin domain containing 3; plus strand). Cytogenetic location: 1q44.
Variant type: single nucleotide variant.
Coding change: c.1322A>G on transcript NM_001243133.2 (MANE Select); coding-DNA position 1322, A replaced by G.
Protein change: p.Tyr441Cys; replaces tyrosine 441 with cysteine.
Molecular consequence: missense variant.
Genome position (GRCh38, 1-based): chr1:247,424,771, A>G. VCF-style: chr1-247424771-A-G. GRCh37 (hg19) VCF-style: chr1-247588073-A-G.
Other names: c.1322A>G, p.Tyr441Cys (NM_001079821.3, NM_001127461.3, NM_001127462.3 and 1 more transcripts); c.1328A>G, p.Tyr443Cys (NM_004895.5); short protein forms Y441C, Y443C.
Identifiers: ClinVar variation 1809712 (VCV001809712.1), dbSNP rs2527268786, ClinGen allele CA345556637.

ClinVar aggregate classification (germline): Likely pathogenic (1 of 4 stars; one submission).

Submission:

Athena Diagnostics
Classification: Likely pathogenic. Last evaluated: 2020-12-10. Review status: criteria provided, single submitter. Criteria: Athena Diagnostics Criteria. Collection method: clinical testing. Allele origin: unknown.
Comment: This variant occurs in exon 3 of the NLRP3 gene and the majority of pathogenic variants reported in the literature are missense variants in this exon (PMID: 14630794). This variant has not been reported in large, multi-ethnic general populations. A different missense variant of uncertain clinical significance at this codon has been reported in a CINCA patient (PMID: 18063752).This observation is not an independent occurrence and has been identified in the same individual by RCIGM, the other laboratory participating in the GEMINI study.